The following is an entry in ClinVar:

ClinVar aggregate classification (germline): Pathogenic (1 of 4 stars; one submission).

Allele frequency attached by ClinVar (database versions not stated): gnomAD exomes below 0.00001 and 0.00001; gnomAD 0.00001.
gnomAD v4.1: 8 of 1,598,116 alleles (0.0005%); highest among the groups gnomAD compares: Admixed American, 0.0033%; no homozygotes.

Submission:

GeneDx
Classification: Pathogenic. Last evaluated: 2017-03-16. Review status: criteria provided, single submitter. Criteria: GeneDx Variant Classification (06012015). Collection method: clinical testing. Allele origin: germline. Affected: yes.
Comment: The c.1771-1G>A variant in the BRAT1 gene has not been reported previously as a pathogenicvariant nor as a benign variant, to our knowledge. This splice site variant destroys the canonical spliceacceptor site in intron 13. It is predicted to cause abnormal gene splicing, either leading to anabnormal message that is subject to nonsense-mediated mRNA decay, or to an abnormal proteinproduct if the message is used for protein translation. The c.1771-1G>A variant is not observed inlarge population cohorts (Lek et al., 2016; 1000 Genomes Consortium et al., 2015; Exome Variant Server). We interpret c.1771-1G>A as a pathogenic variant.

NM_152743.4(BRAT1):c.1771-1G>A

Gene: BRAT1 (BRCA1 associated ATM activator 1; minus strand). Cytogenetic location: 7p22.3.
Variant type: single nucleotide variant.
Coding change: c.1771-1G>A on transcript NM_152743.4 (MANE Select); the canonical splice acceptor site of the intron before coding-DNA position 1771, G replaced by A.
Molecular consequence: splice acceptor variant. On other transcripts: synonymous variant (1).
Genome position (GRCh38, 1-based): chr7:2,538,765, C>T on the plus strand (G>A on the coding strand, the complement: BRAT1 is on the minus strand). VCF-style: chr7-2538765-C-T. GRCh37 (hg19) VCF-style: chr7-2578399-C-T.
Other names: c.1950G>A, p.Gln650= (NM_001350626.2); c.1246-1G>A (NM_001350627.2).
Identifiers: ClinVar variation 424247 (VCV000424247.2), dbSNP rs1064796877, ClinGen allele CA16618449.
Genomic context (GRCh38, chr7:2,538,765, plus strand): 5'-CCGCCGTGGGAAGCCCTCCGAGTCTACGGAGAGGATGTGCAGGAGCTCCAGGAACAGGCT[C>T]TGGGGGACAGGGAGCAAGTGCGGATGGTTGGTGGGGTGGCAGGAGCGAGGCTCCCGCAAC-3'